The following is an entry in ClinVar:

NM_002878.4(RAD51D):c.372G>T (p.Val124=)

Genes: RAD51L3-RFFL (RAD51L3-RFFL readthrough; minus strand), RAD51D (RAD51 paralog D; minus strand). Cytogenetic location: 17q12.
Variant type: single nucleotide variant.
Coding change: c.372G>T on transcript NM_002878.4 (MANE Select); coding-DNA position 372, G replaced by T.
Protein change: p.Val124=; no amino-acid change (valine 124 retained).
Molecular consequence: synonymous variant. On other transcripts: non-coding transcript variant (1), intron variant (1).
Genome position (GRCh38, 1-based): chr17:35,107,096, C>A on the plus strand (G>T on the coding strand, the complement: RAD51D is on the minus strand). VCF-style: chr17-35107096-C-A. GRCh37 (hg19) VCF-style: chr17-33434115-C-A.
Other names: c.432G>T, p.Val144= (NM_001142571.2); c.145-615G>T (NM_133629.3).
Identifiers: ClinVar variation 2719321 (VCV002719321.5), dbSNP rs1597862777, ClinGen allele CA499731740.
Genomic context (GRCh38, chr17:35,107,096, plus strand): 5'-GGAAGCTGTCAGCCCTCCATTGGAATCTACATATAGGACGTTTTGCTGCAGGCCATGGGC[C>A]ACATTTGCTGCCATACAGAGACATACCTGGGGGTGGGGGCATTGGATGAACTTGACACTT-3'
Protein context (NP_002869.3, residues 114-134): TQVCLCMAAN[Val124=]AHGLQQNVLY

ClinVar aggregate classification (germline): Benign/Likely benign. Review status: criteria provided, multiple submitters, no conflicts (2 of 4 stars). 3 submissions from 3 submitters: Benign (1); Likely benign (2). Last evaluated 2025-02-21.

Conditions:
Hereditary cancer-predisposing syndrome. Also called: Neoplastic Syndromes, Hereditary; Tumor predisposition; Hereditary neoplastic syndrome; Hereditary Cancer Syndrome. Identifiers: Orphanet 140162, MedGen C0027672, MeSH D009386, MONDO:0015356.
Breast-ovarian cancer, familial, susceptibility to, 4. Identifiers: Orphanet 145, MedGen C3280345, MONDO:0013669, OMIM 614291.

Submissions (3):

Myriad Genetics, Inc.
Classification: Benign for Breast-ovarian cancer, familial, susceptibility to, 4. Last evaluated: 2025-02-21. Review status: criteria provided, single submitter. Criteria: Myriad Autosomal Dominant, Autosomal Recessive and X-Linked Classification Criteria (2023). Collection method: clinical testing. Allele origin: unknown.
Comment: This variant is considered benign. This variant is a silent/synonymous amino acid change and it is not expected to impact splicing.

Ambry Genetics
Classification: Likely benign for Hereditary cancer-predisposing syndrome. Last evaluated: 2025-02-12. Review status: criteria provided, single submitter. Criteria: Ambry Variant Classification Scheme 2023. Collection method: clinical testing. Allele origin: germline.

Labcorp Genetics (formerly Invitae), Labcorp
Classification: Likely benign for Breast-ovarian cancer, familial, susceptibility to, 4. Last evaluated: 2023-05-25. Review status: criteria provided, single submitter. Criteria: Invitae Variant Classification Sherloc (09022015). Collection method: clinical testing. Allele origin: germline.